The following is an entry in ClinVar:

NM_002087.4(GRN):c.415T>C (p.Cys139Arg)

Gene: GRN (granulin precursor; plus strand). Cytogenetic location: 17q21.31.
Variant type: single nucleotide variant.
Coding change: c.415T>C on transcript NM_002087.4 (MANE Select); coding-DNA position 415, T replaced by C.
Protein change: p.Cys139Arg; replaces cysteine 139 with arginine.
Molecular consequence: missense variant.
Genome position (GRCh38, 1-based): chr17:44,350,293, T>C. VCF-style: chr17-44350293-T-C. GRCh37 (hg19) VCF-style: chr17-42427661-T-C.
Other names: p.Cys139Arg; short protein forms C139R.
Identifiers: ClinVar variation 589965 (VCV000589965.59), dbSNP rs763841075, ClinGen allele CA8601879.

ClinVar aggregate classification (germline): Uncertain significance. Review status: criteria provided, multiple submitters, no conflicts (2 of 4 stars). 10 submissions from 10 submitters: Uncertain significance (9). 1 of the submissions does not count toward it. Last evaluated 2025-12-23.

Conditions:
GRN-related disorder. Also called: GRN-related condition; GRN-related disorders.
Neuronal ceroid lipofuscinosis 11. Also called: GRN-Related Neuronal Ceroid-Lipofuscinosis. Identifiers: Orphanet 314629, Orphanet 79262, MedGen C3539123, MONDO:0013866, OMIM 614706.
GRN-related frontotemporal lobar degeneration with Tdp43 inclusions (FTD2). Also called: GRN Frontotemporal Dementia; FRONTOTEMPORAL DEMENTIA WITH TDP43 INCLUSIONS, GRN-RELATED; DEMENTIA, HEREDITARY DYSPHASIC DISINHIBITION; FRONTOTEMPORAL LOBAR DEGENERATION WITH UBIQUITIN-POSITIVE INCLUSIONS; FTLD-TDP, GRN-RELATED. Identifiers: Orphanet 100070, Orphanet 282, MedGen C1843792, MONDO:0011842, OMIM 607485. Disease mechanism: loss of function.
Inborn genetic diseases. Identifiers: MedGen C0950123, MeSH D030342.

Allele frequency attached by ClinVar (database versions not stated): gnomAD 0.00009 and 0.00010; TOPMed 0.00012; gnomAD exomes 0.00014 and 0.00018; ExAC 0.00018.
gnomAD v4.1: 229 of 1,612,904 alleles (0.014%); highest among the groups gnomAD compares: Middle Eastern, 0.39%; no homozygotes.

Submissions (10):

Labcorp Genetics (formerly Invitae), Labcorp
Classification: Uncertain significance for Neuronal ceroid lipofuscinosis 11; GRN-related frontotemporal lobar degeneration with Tdp43 inclusions. Last evaluated: 2025-12-23. Review status: criteria provided, single submitter. Criteria: Invitae Variant Classification Sherloc (09022015). Collection method: clinical testing. Allele origin: germline.
Comment: This sequence change replaces cysteine, which is neutral and slightly polar, with arginine, which is basic and polar, at codon 139 of the GRN protein (p.Cys139Arg). This variant is present in population databases (rs763841075, gnomAD 0.04%). This missense change has been observed in individual(s) with frontotemporal dementia or Alzheimer disease and/or neuronal ceroid lipofuscinosis type 11 (PMID: 21800185, 23724906, 24503614, 27632209, 27997711, 34162492, 34435519, 38253347). ClinVar contains an entry for this variant (Variation ID: 589965). Invitae Evidence Modeling of protein sequence and biophysical properties (such as structural, functional, and spatial information, amino acid conservation, physicochemical variation, residue mobility, and thermodynamic stability) indicates that this missense variant is expected to disrupt GRN protein function with a positive predictive value of 80%. Experimental studies have shown that this missense change affects GRN function (PMID: 20028451, 22781549, 26652843). In summary, the available evidence is currently insufficient to determine the role of this variant in disease. Therefore, it has been classified as a Variant of Uncertain Significance.

Blueprint Genetics
Classification: Uncertain significance. Last evaluated: 2024-11-19. Review status: criteria provided, single submitter. Criteria: ACMG Guidelines, 2015. Collection method: clinical testing. Allele origin: germline.

Mayo Clinic Laboratories, Mayo Clinic
Classification: Uncertain significance. Last evaluated: 2024-09-17. Review status: criteria provided, single submitter. Criteria: ACMG Guidelines, 2015. Collection method: clinical testing. Allele origin: germline. Observed: 2 variant alleles.
Comment: PP3, PP4

Genomic Medicine Center of Excellence, King Faisal Specialist Hospital and Research Centre
Classification: Uncertain significance for GRN-related frontotemporal lobar degeneration with Tdp43 inclusions. Last evaluated: 2024-03-26. Review status: criteria provided, single submitter. Criteria: ACMG Guidelines, 2015. Collection method: clinical testing. Allele origin: germline.

Fulgent Genetics
Classification: Uncertain significance for GRN-related frontotemporal lobar degeneration with Tdp43 inclusions; Neuronal ceroid lipofuscinosis 11. Last evaluated: 2021-10-15. Review status: criteria provided, single submitter. Criteria: ACMG Guidelines, 2015. Collection method: clinical testing. Allele origin: unknown.

GeneDx
Classification: Uncertain significance. Last evaluated: 2020-10-13. Review status: criteria provided, single submitter. Criteria: GeneDx Variant Classification Process June 2021. Collection method: clinical testing. Allele origin: germline. Affected: yes.
Comment: Reported previously in association with a wide spectrum of later-onset ALS-FTLD neurological phenotypes (Brouwers et al., 2008; Piaceri et al., 2014; Redaelli et al., 2018); Asymptomatic carriers of this variant have been found to have lower serum/plasma PGRN levels compared to controls but not as low as in cases with null variants, suggesting a partial loss of function (Sleegers et al., 2009; Finch et al., 2009; Guven et al., 2019); Published functional studies demonstrate that this variant leads to reduced neurite outgrowth stimulating activity compared to wild type (Wang et al., 2010); This variant is associated with the following publications: (PMID: 32772750, 24503614, 27997711, 19158106, 19288468, 30475763, 18565828, 25352065, 23392204, 26444794, 18314228, 20020531, 23742080, 25575133, 26652843, 27632209, 23684369, 22647257, 20028451, 23724906, 21800185, 31031559)

CeGaT Center for Human Genetics Tuebingen
Classification: Uncertain significance. Last evaluated: 2019-05-01. Review status: criteria provided, single submitter. Criteria: CeGaT Center For Human Genetics Tuebingen Variant Classification Criteria Version 2. Collection method: clinical testing. Allele origin: germline. Affected: yes. Observed: 1 variant allele.

Ambry Genetics
Classification: Uncertain significance for Inborn genetic diseases. Last evaluated: 2017-09-13. Review status: criteria provided, single submitter. Criteria: Ambry Variant Classification Scheme 2023. Collection method: clinical testing. Allele origin: germline.
Comment: The p.C139R variant (also known as c.415T>C), located in coding exon 4 of the GRN gene, results from a T to C substitution at nucleotide position 415. The cysteine at codon 139 is replaced by arginine, an amino acid with highly dissimilar properties. This alteration has been detected in several individuals with frontal lobe temporal dementia, progressive late onset dementia, and corticobasal syndrome (Brouwers N et al. Neurology, 2008 Aug;71:656-64; Finch N et al. Brain, 2009 Mar;132:583-91; Bernardi L et al. Neurobiol. Aging, 2009 Nov;30:1825-33; G&oacute;mez-Tortosa E et al. Eur. J. Neurol., 2013 Sep;20:1319-24; Bagnoli S et al. Cell. Mol. Neurobiol., 2012 Jan;32:13-6; Rodr&iacute;guez-Rodr&iacute;guez E et al. Parkinsonism Relat. Disord., 2013 Aug;19:768-9; Guven G et al. PLoS ONE, 2016 Sep;11:e0162592). In vitro functional studes have shown this variant is likely to impair the physiological processing of the protein and structural modeling predicts this variant has a destabilizing effect on the protein (Brouwers N et al. Neurology, 2008 Aug;71:656-64; Wang J et al. J. Neurochem., 2010 Mar;112:1305-15; Karch CM et al. Neurobiol. Aging, 2016 Feb;38:215.e1-12). This amino acid position is highly conserved in available vertebrate species. In addition, this alteration is predicted to be deleterious by in silico analysis. Since supporting evidence is limited at this time, the clinical significance of this alteration remains unclear.

Breakthrough Genomics
Classification: Uncertain significance. Review status: criteria provided, single submitter. Criteria: ACMG Guidelines, 2015. Collection method: not provided. Allele origin: germline. Inheritance: Autosomal recessive inheritance. Affected: yes.

PreventionGenetics, part of Exact Sciences
Classification: Uncertain significance for GRN-related condition. Last evaluated: 2024-09-17. Review status: no assertion criteria provided. Collection method: clinical testing. Allele origin: germline. Not counted in ClinVar's aggregate classification.
Comment: The GRN c.415T>C variant is predicted to result in the amino acid substitution p.Cys139Arg. This variant has been reported in multiple unrelated individuals with various neurodegenerative conditions including Alzheimer disease, frontotemporal dementia, semantic dementia, progressive nonfluent aphasia, and corticobasal syndrome (Bernardi et al. 2008. PubMed ID: 18314228; Bagnoli et al. 2011. PubMed ID: 21800185; Antonell et al . 2012. PubMed ID: 22647257; Piaceri et al. 2014. PubMed ID: 24503614; Redaelli et al. 2017. PubMed ID: 27997711; Guven et al. 2016. PubMed ID: 27632209). While mutant GRN protein levels did not differ from non-carrier family members, in an axonal outgrowth assay, the p.Cys139Arg mutated PGRNs did not stimulate neurite outgrowth (Wang et al. 2009. PubMed ID: 20028451). This variant is reported in 0.036% of alleles in individuals of South Asian descent in gnomAD and has been consistently classified as uncertain in ClinVar. At this time, the clinical significance of this variant is uncertain due to the absence of conclusive functional and genetic evidence.

Literature cited by the submitters: PubMed 21800185 (cited by Labcorp Genetics (formerly Invitae), Labcorp and Ambry Genetics); PubMed 23724906 (cited by 3 submitters); PubMed 24503614 (cited by Labcorp Genetics (formerly Invitae), Labcorp and Mayo Clinic Laboratories, Mayo Clinic); PubMed 27632209 (cited by Labcorp Genetics (formerly Invitae), Labcorp and Ambry Genetics); PubMed 27997711 (cited by Labcorp Genetics (formerly Invitae), Labcorp and Mayo Clinic Laboratories, Mayo Clinic); PubMed 34162492 (cited by Labcorp Genetics (formerly Invitae), Labcorp and Mayo Clinic Laboratories, Mayo Clinic); PubMed 34435519 (cited by Labcorp Genetics (formerly Invitae), Labcorp and Mayo Clinic Laboratories, Mayo Clinic); PubMed 38253347 (cited by Labcorp Genetics (formerly Invitae), Labcorp and Mayo Clinic Laboratories, Mayo Clinic); PubMed 20028451 (cited by 3 submitters); PubMed 22781549 (cited by Labcorp Genetics (formerly Invitae), Labcorp); PubMed 26652843 (cited by Labcorp Genetics (formerly Invitae), Labcorp and Ambry Genetics); PubMed 18565828 (cited by Mayo Clinic Laboratories, Mayo Clinic and Ambry Genetics); PubMed 22647257 (cited by Mayo Clinic Laboratories, Mayo Clinic); PubMed 23684369 (cited by Mayo Clinic Laboratories, Mayo Clinic and Ambry Genetics); PubMed 32772750 (cited by Mayo Clinic Laboratories, Mayo Clinic); PubMed 36970912 (cited by Mayo Clinic Laboratories, Mayo Clinic); PubMed 37382630 (cited by Mayo Clinic Laboratories, Mayo Clinic); PubMed 38137339 (cited by Mayo Clinic Laboratories, Mayo Clinic); PubMed 38539243 (cited by Mayo Clinic Laboratories, Mayo Clinic); PubMed 18314228 (cited by Ambry Genetics); PubMed 19158106 (cited by Ambry Genetics); PubMed 20020531 (cited by Ambry Genetics); PubMed 23742080 (cited by Ambry Genetics).